The following is an entry in ClinVar:

NM_001171.6(ABCC6):c.3987dup (p.Ile1330fs)

Gene: ABCC6 (ATP binding cassette subfamily C member 6; minus strand). Cytogenetic location: 16p13.11.
Variant type: Duplication.
Coding change: c.3987dup on transcript NM_001171.6 (MANE Select); coding-DNA position 3987, one base duplicated (C; older notation c.3987dupC).
Protein change: p.Ile1330fs; shifts the reading frame from isoleucine 1330.
Molecular consequence: frameshift variant. On other transcripts: non-coding transcript variant (1).
Genome position (GRCh38, 1-based): chr16:16,154,927, G duplicated on the plus strand (C on the coding strand, the reverse complement: ABCC6 is on the minus strand); the first of 4 consecutive G bases (chr16:16,154,927-16,154,930); duplicating any one gives the same sequence. VCF-style (leftmost placement, unchanged base first): chr16-16154926-T-TG. GRCh37 (hg19) VCF-style: chr16-16248783-T-TG.
Other names: c.3645dup, p.Ile1216fs (NM_001351800.1); short protein forms I1216fs, I1330fs.
Identifiers: ClinVar variation 1457838 (VCV001457838.8), dbSNP rs1567465730, ClinGen allele CA621656510.

ClinVar aggregate classification (germline): Pathogenic/Likely pathogenic. Review status: criteria provided, multiple submitters, no conflicts (2 of 4 stars). 3 submissions from 3 submitters: Pathogenic (1); Likely pathogenic (2). Last evaluated 2025-05-11.

Conditions:
Autosomal recessive inherited pseudoxanthoma elasticum (PXE). Identifiers: Orphanet 758, MedGen CN032334, MONDO:0009925, OMIM 264800.
Pseudoxanthoma elasticum, forme fruste. Also called: PSEUDOXANTHOMA ELASTICUM, HETEROZYGOUS; Pseudoxanthoma Elasticum, Incomplete. Identifiers: Orphanet 758, MedGen C1867450, MONDO:0008333, OMIM 177850.
Arterial calcification, generalized, of infancy, 2. Identifiers: Orphanet 51608, MedGen C3276161, MONDO:0013768, OMIM 614473.
ABCC6-related disorder. Also called: ABCC6-related condition.

Submissions (3):

Labcorp Genetics (formerly Invitae), Labcorp
Classification: Pathogenic. Last evaluated: 2025-05-11. Review status: criteria provided, single submitter. Criteria: Invitae Variant Classification Sherloc (09022015). Collection method: clinical testing. Allele origin: germline.
Comment: This sequence change creates a premature translational stop signal (p.Ile1330Hisfs*68) in the ABCC6 gene. It is expected to result in an absent or disrupted protein product. Loss-of-function variants in ABCC6 are known to be pathogenic (PMID: 11536079, 17617515). This variant is present in population databases (no rsID available, gnomAD 0.003%). This variant has not been reported in the literature in individuals affected with ABCC6-related conditions. ClinVar contains an entry for this variant (Variation ID: 1457838). Algorithms developed to predict the effect of sequence changes on RNA splicing suggest that this variant may disrupt the consensus splice site. For these reasons, this variant has been classified as Pathogenic.

Fulgent Genetics
Classification: Likely pathogenic for Pseudoxanthoma elasticum, forme fruste; Autosomal recessive inherited pseudoxanthoma elasticum; Arterial calcification, generalized, of infancy, 2. Last evaluated: 2022-04-28. Review status: criteria provided, single submitter. Criteria: ACMG Guidelines, 2015. Collection method: clinical testing. Allele origin: unknown.

Blueprint Genetics
Classification: Likely pathogenic for ABCC6-related disorders. Last evaluated: 2020-02-20. Review status: criteria provided, single submitter. Criteria: ACMG Guidelines, 2015. Collection method: clinical testing. Allele origin: germline. Affected: yes. Observed: 1 variant allele.

Literature cited by the submitters: PubMed 11536079 (cited by Labcorp Genetics (formerly Invitae), Labcorp); PubMed 17617515 (cited by Labcorp Genetics (formerly Invitae), Labcorp).